The following is an entry in ClinVar:

ClinVar aggregate classification (germline): Likely benign. Review status: criteria provided, multiple submitters, no conflicts (2 of 4 stars). 2 submissions from 2 submitters: Likely benign (2). Last evaluated 2022-07-22.

Conditions:
Mitochondrial complex V (ATP synthase) deficiency, nuclear type 2. Also called: Nuclear-Encoded ATPase Deficiency, TMEM70-Related; ENCEPHALOCARDIOMYOPATHY, MITOCHONDRIAL, NEONATAL, DUE TO ATP SYNTHASE DEFICIENCY; MITOCHONDRIAL COMPLEX V (ATP SYNTHASE) DEFICIENCY, TMEM70 TYPE. Identifiers: Orphanet 1194, MedGen C3279699, MONDO:0013546, OMIM 614052.

Allele frequency attached by ClinVar (database versions not stated): TOPMed below 0.00001; ExAC 0.00001; gnomAD 0.00001; gnomAD exomes 0.00001; ESP Exome Variant Server 0.00008.
gnomAD v4.1: 22 of 1,613,726 alleles (0.0014%); highest among the groups gnomAD compares: Non-Finnish European, 0.0018%; no homozygotes.

Submissions (2):

Labcorp Genetics (formerly Invitae), Labcorp
Classification: Likely benign for Mitochondrial complex V (ATP synthase) deficiency, nuclear type 2. Last evaluated: 2022-07-22. Review status: criteria provided, single submitter. Criteria: Invitae Variant Classification Sherloc (09022015). Collection method: clinical testing. Allele origin: germline.

GeneDx
Classification: Likely benign. Last evaluated: 2015-10-14. Review status: criteria provided, single submitter. Criteria: GeneDx Variant Classification (06012015). Collection method: clinical testing. Allele origin: germline. Affected: yes.
Comment: This variant is considered likely benign or benign based on one or more of the following criteria: it is a conservative change, it occurs at a poorly conserved position in the protein, it is predicted to be benign by multiple in silico algorithms, and/or has population frequency not consistent with disease.

NM_017866.6(TMEM70):c.675C>T (p.Leu225=)

Gene: TMEM70 (transmembrane protein 70; plus strand). Cytogenetic location: 8q21.11.
Variant type: single nucleotide variant.
Coding change: c.675C>T on transcript NM_017866.6 (MANE Select); coding-DNA position 675, C replaced by T.
Protein change: p.Leu225=; no amino-acid change (leucine 225 retained).
Molecular consequence: synonymous variant. On other transcripts: 3 prime UTR variant (1), non-coding transcript variant (1).
Genome position (GRCh38, 1-based): chr8:73,981,513, C>T. VCF-style: chr8-73981513-C-T. GRCh37 (hg19) VCF-style: chr8-74893748-C-T.
Other names: c.*365C>T (NM_001040613.3).
Identifiers: ClinVar variation 381075 (VCV000381075.5), dbSNP rs139775930, ClinGen allele CA4784091.